The following is an entry in ClinVar:

NM_001130009.3(GEN1):c.1402C>T (p.Gln468Ter)

Gene: GEN1 (GEN1 structure-specific endonuclease; plus strand). Cytogenetic location: 2p24.2.
Variant type: single nucleotide variant.
Coding change: c.1402C>T on transcript NM_001130009.3 (MANE Select); coding-DNA position 1402, C replaced by T.
Protein change: p.Gln468Ter; replaces glutamine 468 with a stop codon.
Molecular consequence: nonsense.
Genome position (GRCh38, 1-based): chr2:17,780,115, C>T. VCF-style: chr2-17780115-C-T. GRCh37 (hg19) VCF-style: chr2-17961382-C-T.
Other names: c.1402C>T, p.Gln468Ter (NM_182625.5); short protein forms Q468*.
Identifiers: ClinVar variation 1915070 (VCV001915070.5), dbSNP rs764984000, ClinGen allele CA1540752.
Genomic context (GRCh38, chr2:17,780,115, plus strand): 5'-GCATATCCTGAGATCGTTGCTGTTTACCAAAAACAAAAGTTAGAAATTAAAGGGAAGAAA[C>T]AAAAACGTAAGTTTTGGGTTTGATAGCTATTTATGCCACATGCAAATGTTATAGAAGAGC-3'

ClinVar aggregate classification (germline): Uncertain significance (1 of 4 stars; one submission).

Allele frequency attached by ClinVar (database versions not stated): gnomAD 0.00001; gnomAD exomes 0.00001; ExAC 0.00002; TOPMed 0.00002.
gnomAD v4.1: 19 of 1,610,844 alleles (0.0012%); highest among the groups gnomAD compares: African/African-American, 0.0027%; no homozygotes.

Submission:

Labcorp Genetics (formerly Invitae), Labcorp
Classification: Uncertain significance. Last evaluated: 2024-06-20. Review status: criteria provided, single submitter. Criteria: Invitae Variant Classification Sherloc (09022015). Collection method: clinical testing. Allele origin: germline.
Comment: This sequence change creates a premature translational stop signal (p.Gln468*) in the GEN1 gene. While this is not anticipated to result in nonsense mediated decay, it is expected to disrupt the last 441 amino acid(s) of the GEN1 protein. This variant is present in population databases (rs764984000, gnomAD 0.007%). This variant has not been reported in the literature in individuals affected with GEN1-related conditions. ClinVar contains an entry for this variant (Variation ID: 1915070). Experimental studies and prediction algorithms are not available or were not evaluated, and the functional significance of this variant is currently unknown. In summary, the available evidence is currently insufficient to determine the role of this variant in disease. Therefore, it has been classified as a Variant of Uncertain Significance.